The following is an entry in ClinVar:

NM_002303.6(LEPR):c.1030G>T (p.Val344Phe)

Gene: LEPR (leptin receptor; plus strand). Cytogenetic location: 1p31.3.
Variant type: single nucleotide variant.
Coding change: c.1030G>T on transcript NM_002303.6 (MANE Select); coding-DNA position 1030, G replaced by T.
Protein change: p.Val344Phe; replaces valine 344 with phenylalanine.
Molecular consequence: missense variant.
Genome position (GRCh38, 1-based): chr1:65,601,427, G>T. VCF-style: chr1-65601427-G-T. GRCh37 (hg19) VCF-style: chr1-66067110-G-T.
Other names: c.1030G>T, p.Val344Phe (NM_001003679.3, NM_001003680.3, NM_001198687.2 and 2 more transcripts); short protein forms V344F.
Identifiers: ClinVar variation 4995519 (VCV004995519.1).

ClinVar aggregate classification (germline): Uncertain significance (1 of 4 stars; one submission).

Conditions:
LEPR-related disorder. Also called: LEPR-related condition; LEPR-related disorders.

gnomAD v4.1: 2 of 1,613,268 alleles (0.00012%); highest among the groups gnomAD compares: African/African-American, 0.0027%; no homozygotes.

Submission:

PreventionGenetics, part of Exact Sciences
Classification: Uncertain significance for LEPR-related condition. Last evaluated: 2025-12-01. Review status: criteria provided, single submitter. Criteria: ACMG Guidelines, 2015. Collection method: clinical testing. Allele origin: germline.
Comment: The LEPR c.1030G>T variant is predicted to result in the amino acid substitution p.Val344Phe. This variant was observed in a cohort of individuals with obesity, and in vitro functional studies showed function similar to wild-type levels (Supplemental Data Set, Shah et al. 2023. PubMed ID: 36864747). This variant has not been reported in a large population database (gnomAD), indicating this variant is rare. At this time, the clinical significance of this variant is uncertain due to the absence of conclusive functional and genetic evidence.